The following is an entry in ClinVar:

ClinVar aggregate classification (germline): Uncertain significance. Review status: criteria provided, multiple submitters, no conflicts (2 of 4 stars). 3 submissions from 3 submitters: Uncertain significance (3). Last evaluated 2024-04-19.

Conditions:
Cardiovascular phenotype. Identifiers: MedGen CN230736.
Familial hypercholesterolemia. Also called: Familial hypercholesterolemias; Familial hypercholesterolaemia. Identifiers: MedGen C0020445, MONDO:0005439.
Hypercholesterolemia, autosomal dominant, 3 (FHCL3). Also called: Familial hypercholesterolemia 3; Familial Hypercholesterolemia, Autosomal Dominant, 3; PCSK9-Related Familial Hypercholesterolemia, Autosomal Dominant. Identifiers: MedGen C1863551, MONDO:0011369, OMIM 603776.

Allele frequency attached by ClinVar (database versions not stated): gnomAD exomes below 0.00001 and 0.00001; TOPMed 0.00001; gnomAD 0.00003; 1000 Genomes Project 30x 0.00016; 1000 Genomes Project 0.00020.

Submissions (3):

Ambry Genetics
Classification: Uncertain significance for Cardiovascular phenotype. Last evaluated: 2024-04-19. Review status: criteria provided, single submitter. Criteria: Ambry Variant Classification Scheme 2023. Collection method: clinical testing. Allele origin: germline.
Comment: The p.N586D variant (also known as c.1756A>G), located in coding exon 11 of the PCSK9 gene, results from an A to G substitution at nucleotide position 1756. The asparagine at codon 586 is replaced by aspartic acid, an amino acid with highly similar properties. This amino acid position is poorly conserved in available vertebrate species. In addition, this alteration is predicted to be tolerated by in silico analysis. Since supporting evidence is limited at this time, the clinical significance of this alteration remains unclear.

Color Diagnostics, LLC DBA Color Health
Classification: Uncertain significance for Familial hypercholesterolemia. Last evaluated: 2024-03-06. Review status: criteria provided, single submitter. Criteria: ACMG Guidelines, 2015. Collection method: clinical testing. Allele origin: germline.
Comment: This missense variant replaces asparagine with aspartic acid at codon 586 of the PCSK9 protein. Computational prediction suggests that this variant may not impact protein structure and function (internally defined REVEL score threshold <= 0.5, PMID: 27666373). To our knowledge, functional studies have not been reported for this variant. This variant has not been reported in individuals affected with familial hypercholesterolemia disorders in the literature. This variant has been identified in 2/270384 chromosomes in the general population by the Genome Aggregation Database (gnomAD). The available evidence is insufficient to determine the role of this variant in disease conclusively. Therefore, this variant is classified as a Variant of Uncertain Significance.

All of Us Research Program, National Institutes of Health
Classification: Uncertain significance for Hypercholesterolemia, autosomal dominant, 3. Last evaluated: 2023-11-28. Review status: criteria provided, single submitter. Criteria: ACMG Guidelines, 2015. Collection method: clinical testing. Allele origin: germline. Inheritance: Autosomal dominant inheritance. Observed: 4 variant alleles, 4 heterozygotes.
Comment: This missense variant replaces asparagine with aspartic acid at codon 586 of the PCSK9 protein. Computational prediction tool suggests that this variant may not impact protein structure and function (internally defined REVEL score threshold <=0.5, PMID: 27666373). Splice site prediction tools suggest that this variant may not impact RNA splicing. To our knowledge, functional studies have not been performed for this variant. This variant has not been reported in individuals affected with familial hypercholesterolemia in the literature. This variant has been identified in 2/270384 chromosomes in the general population by the Genome Aggregation Database (gnomAD). The available evidence is insufficient to determine the role of this variant in disease conclusively. Therefore, this variant is classified as a Variant of Uncertain Significance.

This study involves interpretation of variants in research participants for the purpose of population health screening. Participant phenotype was not available at the time of variant classification. Additional details can be found in publication PMID: 35346344, PMCID: PMC8962531

NM_174936.4(PCSK9):c.1756A>G (p.Asn586Asp)

Gene: PCSK9 (proprotein convertase subtilisin/kexin type 9; plus strand). Cytogenetic location: 1p32.3.
Variant type: single nucleotide variant.
Coding change: c.1756A>G on transcript NM_174936.4 (MANE Select); coding-DNA position 1756, A replaced by G.
Protein change: p.Asn586Asp; replaces asparagine 586 with aspartic acid.
Molecular consequence: missense variant.
Genome position (GRCh38, 1-based): chr1:55,061,449, A>G. VCF-style: chr1-55061449-A-G. GRCh37 (hg19) VCF-style: chr1-55527122-A-G.
Other names: c.1879A>G, p.Asn627Asp (NM_001407240.1); c.1798A>G, p.Asn600Asp (NM_001407241.1); c.1759A>G, p.Asn587Asp (NM_001407242.1); c.1699A>G, p.Asn567Asp (NM_001407243.1); c.1582A>G, p.Asn528Asp (NM_001407244.1); c.1564A>G, p.Asn522Asp (NM_001407245.1); c.1381A>G, p.Asn461Asp (NM_001407246.1); c.1255A>G, p.Asn419Asp (NM_001407247.1); short protein forms N586D, N600D, N567D, N419D, N461D, N587D, N627D, N522D.
Identifiers: ClinVar variation 921268 (VCV000921268.10), dbSNP rs146035580, ClinGen allele CA22767021.